The following is an entry in ClinVar:

ClinVar aggregate classification (germline): Pathogenic (1 of 4 stars; one submission).

Conditions:
Jeune thoracic dystrophy. Also called: Short-rib thoracic dysplasia; Jeune syndrome; Infantile thoracic dystrophy; Thoracic pelvic phalangeal dystrophy; Jeune's syndrome; Chondroectodermal dysplasia-like syndrome. Identifiers: Orphanet 474, MedGen C0265275, MONDO:0018770.

Submission:

Labcorp Genetics (formerly Invitae), Labcorp
Classification: Pathogenic for Jeune thoracic dystrophy. Last evaluated: 2023-02-14. Review status: criteria provided, single submitter. Criteria: Invitae Variant Classification Sherloc (09022015). Collection method: clinical testing. Allele origin: germline.
Comment: For these reasons, this variant has been classified as Pathogenic. This variant has not been reported in the literature in individuals affected with DYNC2H1-related conditions. This variant is not present in population databases (gnomAD no frequency). This sequence change creates a premature translational stop signal (p.Ala3452Glyfs*11) in the DYNC2H1 gene. It is expected to result in an absent or disrupted protein product. Loss-of-function variants in DYNC2H1 are known to be pathogenic (PMID: 23339108, 32753734).

Literature cited by the submitters: PubMed 23339108; PubMed 32753734.

NM_001377.3(DYNC2H1):c.10333dup (p.Ala3445fs)

Gene: DYNC2H1 (dynein cytoplasmic 2 heavy chain 1; plus strand). Cytogenetic location: 11q22.3.
Variant type: Duplication.
Coding change: c.10333dup on transcript NM_001377.3 (MANE Select); coding-DNA position 10333, one base duplicated (G; older notation c.10333dupG).
Protein change: p.Ala3445fs; shifts the reading frame from alanine 3445.
Molecular consequence: frameshift variant.
Genome position (GRCh38, 1-based): chr11:103,256,112, G duplicated. VCF-style (leftmost placement, unchanged base first): chr11-103256111-T-TG. GRCh37 (hg19) VCF-style: chr11-103126840-T-TG.
Other names: c.10354dup, p.Ala3452fs (NM_001080463.2); short protein forms A3445fs, A3452fs.
Identifiers: ClinVar variation 2837233 (VCV002837233.3), dbSNP rs2496644540, ClinGen allele CA2739270871.